The following is an entry in ClinVar:

ClinVar aggregate classification (germline): Uncertain significance (1 of 4 stars; one submission).

Conditions:
Cardiovascular phenotype. Identifiers: MedGen CN230736.

Submission:

Ambry Genetics
Classification: Uncertain significance for Cardiovascular phenotype. Last evaluated: 2024-12-29. Review status: criteria provided, single submitter. Criteria: Ambry Variant Classification Scheme 2023. Collection method: clinical testing. Allele origin: germline.
Comment: The p.V358A variant (also known as c.1073T>C), located in coding exon 11 of the ANK2 gene, results from a T to C substitution at nucleotide position 1073. The valine at codon 358 is replaced by alanine, an amino acid with similar properties. This amino acid position is conserved. In addition, the in silico prediction for this alteration is inconclusive. Based on the available evidence, the clinical significance of this variant remains unclear.

NM_001148.6(ANK2):c.1073T>C (p.Val358Ala)

Gene: ANK2 (ankyrin 2; plus strand). Cytogenetic location: 4q26.
Variant type: single nucleotide variant.
Coding change: c.1073T>C on transcript NM_001148.6 (MANE Select); coding-DNA position 1073, T replaced by C.
Protein change: p.Val358Ala; replaces valine 358 with alanine.
Molecular consequence: missense variant.
Genome position (GRCh38, 1-based): chr4:113,255,817, T>C. VCF-style: chr4-113255817-T-C. GRCh37 (hg19) VCF-style: chr4-114176973-T-C.
Other names: c.1010T>C, p.Val337Ala (NM_001127493.3, NM_001354239.2, NM_001354243.2 and 14 more transcripts); c.1073T>C, p.Val358Ala (NM_001354225.2, NM_001354228.2, NM_001354232.2 and 9 more transcripts); c.1118T>C, p.Val373Ala (NM_001354230.2, NM_001354231.2, NM_001354237.2 and 5 more transcripts); c.986T>C, p.Val329Ala (NM_001354249.2, NM_001354260.2, NM_001354264.2 and 16 more transcripts); c.1031T>C, p.Val344Ala (NM_001354261.2, NM_001386147.1, NM_001386160.1); c.1061T>C, p.Val354Ala (NM_001354269.3, NM_001386148.2, NM_001386186.2); c.1124T>C, p.Val375Ala (NM_001386174.1); c.1100T>C, p.Val367Ala (NM_001386175.1); and 1 more; short protein forms V354A, V375A, V329A, V346A, V367A, V337A, V358A, V373A.
Identifiers: ClinVar variation 3863947 (VCV003863947.1).
Genomic context (GRCh38, chr4:113,255,817, plus strand): 5'-TGGCTGCCCAGGGAGACCACGTGGAATGTGTGAAGCACCTGTTACAGCACAAGGCACCTG[T>C]TGATGATGTCACCCTAGACTACCTGACAGCCCTCCACGTTGCTGCGCACTGTGGCCACTA-3'
Protein context (NP_001139.3, residues 348-368): VKHLLQHKAP[Val358Ala]DDVTLDYLTA